The following is an entry in ClinVar:

ClinVar aggregate classification (germline): Uncertain significance. Review status: criteria provided, multiple submitters, no conflicts (2 of 4 stars). 5 submissions from 5 submitters: Uncertain significance (4). 1 of the submissions does not count toward it. Last evaluated 2025-11-25.

Conditions:
Inborn genetic diseases. Identifiers: MedGen C0950123, MeSH D030342.

Allele frequency attached by ClinVar (database versions not stated): ESP Exome Variant Server 0.00031.
gnomAD v4.1: 702 of 1,614,012 alleles (0.043%); highest among the groups gnomAD compares: Non-Finnish European, 0.052%; 1 homozygote.

Submissions (5):

GeneDx
Classification: Uncertain significance. Last evaluated: 2025-11-25. Review status: criteria provided, single submitter. Criteria: GeneDx Variant Classification Process June 2021. Collection method: clinical testing. Allele origin: germline. Affected: yes.
Comment: In silico analysis suggests that this missense variant does not alter protein structure/function; Has not been previously published as pathogenic or benign to our knowledge

Ambry Genetics
Classification: Uncertain significance for Inborn genetic diseases. Last evaluated: 2022-11-03. Review status: criteria provided, single submitter. Criteria: Ambry Variant Classification Scheme 2023. Collection method: clinical testing. Allele origin: germline.

CeGaT Center for Human Genetics Tuebingen
Classification: Uncertain significance. Last evaluated: 2022-09-01. Review status: criteria provided, single submitter. Criteria: CeGaT Center For Human Genetics Tuebingen Variant Classification Criteria Version 2. Collection method: clinical testing. Allele origin: germline. Affected: yes. Observed: 1 variant allele.
Comment: TRIT1: PM2, BP4

Labcorp Genetics (formerly Invitae), Labcorp
Classification: Uncertain significance. Last evaluated: 2022-08-20. Review status: criteria provided, single submitter. Criteria: Invitae Variant Classification Sherloc (09022015). Collection method: clinical testing. Allele origin: germline.
Comment: This sequence change replaces arginine, which is basic and polar, with proline, which is neutral and non-polar, at codon 79 of the TRIT1 protein (p.Arg79Pro). This variant is present in population databases (rs35273801, gnomAD 0.04%). This variant has not been reported in the literature in individuals affected with TRIT1-related conditions. ClinVar contains an entry for this variant (Variation ID: 1049688). Algorithms developed to predict the effect of missense changes on protein structure and function (SIFT, PolyPhen-2, Align-GVGD) all suggest that this variant is likely to be tolerated. In summary, the available evidence is currently insufficient to determine the role of this variant in disease. Therefore, it has been classified as a Variant of Uncertain Significance.

Department of Pathology and Laboratory Medicine, Sinai Health System
Classification: Uncertain significance. Review status: no assertion criteria provided. Collection method: clinical testing. Allele origin: unknown. Affected: yes. Study: The Canadian Open Genetics Repository (COGR). Not counted in ClinVar's aggregate classification.
Comment: The TRIT1 p.Arg79Pro variant was not identified in the literature nor was it identified in ClinVar. The variant was identified in dbSNP (ID: rs35273801) and in control databases in 61 of 282688 chromosomes at a frequency of 0.0002158 (Genome Aggregation Database March 6, 2019, v2.1.1). The variant was observed in the following populations: Other in 4 of 7222 chromosomes (freq: 0.000554), European (non-Finnish) in 50 of 129046 chromosomes (freq: 0.000388), European (Finnish) in 4 of 25114 chromosomes (freq: 0.000159), African in 2 of 24968 chromosomes (freq: 0.00008) and Latino in 1 of 35424 chromosomes (freq: 0.000028), but was not observed in the Ashkenazi Jewish, East Asian, or South Asian populations. The p.Arg79 residue is not conserved in mammals and computational analyses (PolyPhen-2, SIFT, AlignGVGD, BLOSUM, MutationTaster) do not suggest a high likelihood of impact to the protein; however, this information is not predictive enough to rule out pathogenicity. The variant occurs outside of the splicing consensus sequence and in silico or computational prediction software programs (SpliceSiteFinder, MaxEntScan, NNSPLICE, GeneSplicer) do not predict a difference in splicing. In summary, based on the above information the clinical significance of this variant cannot be determined with certainty at this time. This variant is classified as a variant of uncertain significance.

NM_017646.6(TRIT1):c.236G>C (p.Arg79Pro)

Gene: TRIT1 (tRNA isopentenyltransferase 1; minus strand). Cytogenetic location: 1p34.2.
Variant type: single nucleotide variant.
Coding change: c.236G>C on transcript NM_017646.6 (MANE Select); coding-DNA position 236, G replaced by C.
Protein change: p.Arg79Pro; replaces arginine 79 with proline.
Molecular consequence: missense variant. On other transcripts: intron variant (1).
Genome position (GRCh38, 1-based): chr1:39,857,356, C>G on the plus strand (G>C on the coding strand, the complement: TRIT1 is on the minus strand). VCF-style: chr1-39857356-C-G. GRCh37 (hg19) VCF-style: chr1-40323028-C-G.
Other names: c.236G>C, p.Arg79Pro (NM_001312691.2); c.175-4480G>C (NM_001312692.1); short protein forms R79P.
Identifiers: ClinVar variation 1049688 (VCV001049688.35), dbSNP rs35273801, ClinGen allele CA788162.